The following is an entry in ClinVar:

ClinVar aggregate classification (germline): Pathogenic (1 of 4 stars; one submission).

Conditions:
Niemann-Pick disease, type C (NPC). Identifiers: Orphanet 646, MedGen C0220756, MONDO:0018982.

gnomAD v4.1: 3 of 1,613,554 alleles (0.00019%); highest among the groups gnomAD compares: East Asian, 0.0022%; no homozygotes.

Submission:

Women's Health and Genetics/Laboratory Corporation of America, LabCorp
Classification: Pathogenic for Niemann-Pick disease, type C. Last evaluated: 2025-01-14. Review status: criteria provided, single submitter. Criteria: LabCorp Variant Classification Summary - May 2015. Collection method: clinical testing. Allele origin: germline.
Comment: Variant summary: NPC1 c.3243C>G (p.Tyr1081X) results in a premature termination codon, predicted to cause a truncation of the encoded protein or absence of the protein due to nonsense mediated decay, which are commonly known mechanisms for disease. Consensus agreement among computation tools predict no significant impact on normal splicing. However, these predictions have yet to be confirmed by functional studies. The variant allele was found at a frequency of 4e-06 in 250880 control chromosomes. c.3243C>G has been reported in the literature in individuals affected with Niemann-Pick Disease Type C (Abela_2014). To our knowledge, no experimental evidence demonstrating an impact on protein function has been reported. The following publication have been ascertained in the context of this evaluation (PMID: 25425405). No submitters have cited clinical-significance assessments for this variant to ClinVar. Based on the evidence outlined above, the variant was classified as pathogenic.

Literature cited by the submitters: PubMed 25425405.

NM_000271.5(NPC1):c.3243C>G (p.Tyr1081Ter)

Gene: NPC1 (NPC intracellular cholesterol transporter 1; minus strand). Cytogenetic location: 18q11.2.
Variant type: single nucleotide variant.
Coding change: c.3243C>G on transcript NM_000271.5 (MANE Select); coding-DNA position 3243, C replaced by G.
Protein change: p.Tyr1081Ter; replaces tyrosine 1081 with a stop codon.
Molecular consequence: nonsense.
Genome position (GRCh38, 1-based): chr18:23,536,675, G>C on the plus strand (C>G on the coding strand, the complement: NPC1 is on the minus strand). VCF-style: chr18-23536675-G-C. GRCh37 (hg19) VCF-style: chr18-21116639-G-C.
Other names: short protein forms Y1081*.
Identifiers: ClinVar variation 3769124 (VCV003769124.2).